The following is an entry in ClinVar:

NM_017837.4(PIGV):c.847A>G (p.Lys283Glu)

Gene: PIGV (phosphatidylinositol glycan anchor biosynthesis class V; plus strand). Cytogenetic location: 1p36.11.
Variant type: single nucleotide variant.
Coding change: c.847A>G on transcript NM_017837.4 (MANE Select); coding-DNA position 847, A replaced by G.
Protein change: p.Lys283Glu; replaces lysine 283 with glutamic acid.
Molecular consequence: missense variant. On other transcripts: non-coding transcript variant (1), intron variant (1).
Genome position (GRCh38, 1-based): chr1:26,794,881, A>G. VCF-style: chr1-26794881-A-G. GRCh37 (hg19) VCF-style: chr1-27121372-A-G.
Other names: c.847A>G, p.Lys283Glu (NM_001202554.2, NM_001374478.1, NM_001374480.1 and 2 more transcripts); c.466A>G, p.Lys156Glu (NM_001374483.1); c.220A>G, p.Lys74Glu (NM_001374484.1, NM_001374485.1); c.79-2682A>G (NM_001374486.1); short protein forms K283E, K156E, K74E.
Identifiers: ClinVar variation 1434654 (VCV001434654.8), dbSNP rs2124196479, ClinGen allele CA339200857.

ClinVar aggregate classification (germline): Uncertain significance (1 of 4 stars; one submission).

Allele frequency attached by ClinVar (database versions not stated): gnomAD exomes below 0.00001.

Submission:

Labcorp Genetics (formerly Invitae), Labcorp
Classification: Uncertain significance. Last evaluated: 2021-02-26. Review status: criteria provided, single submitter. Criteria: Invitae Variant Classification Sherloc (09022015). Collection method: clinical testing. Allele origin: germline.
Comment: In summary, the available evidence is currently insufficient to determine the role of this variant in disease. Therefore, it has been classified as a Variant of Uncertain Significance. Algorithms developed to predict the effect of missense changes on protein structure and function (SIFT, PolyPhen-2, Align-GVGD) all suggest that this variant is likely to be tolerated, but these predictions have not been confirmed by published functional studies and their clinical significance is uncertain. This sequence change replaces lysine with glutamic acid at codon 283 of the PIGV protein (p.Lys283Glu). The lysine residue is moderately conserved and there is a small physicochemical difference between lysine and glutamic acid. This variant is not present in population databases (ExAC no frequency). This variant has not been reported in the literature in individuals with PIGV-related conditions.